The following is an entry in ClinVar:

NM_007289.4(MME):c.2076+36C>A

Gene: MME (membrane metalloendopeptidase; plus strand). Cytogenetic location: 3q25.2.
Variant type: single nucleotide variant.
Coding change: c.2076+36C>A on transcript NM_007289.4 (MANE Select); 36 bases into the intron after coding-DNA position 2076, C replaced by A.
Molecular consequence: intron variant.
Genome position (GRCh38, 1-based): chr3:155,172,248, C>A. VCF-style: chr3-155172248-C-A. GRCh37 (hg19) VCF-style: chr3-154890037-C-A.
Other names: c.2076+36C>A (NM_001354642.2, NM_000902.5, NM_007287.4 and 2 more transcripts).
Identifiers: ClinVar variation 1245211 (VCV001245211.3), dbSNP rs41267911, ClinGen allele CA2675736.
Genomic context (GRCh38, chr3:155,172,248, plus strand): 5'-ACTATTTTTCTTGAACTTTGCACAGGTATTGTGTCTTTCTTGATTGATAGATATGAAAAC[C>A]ATTTTGAGTTATAATTTCACAGTAAGTTAGATGTCACATGCTGAGTTCCCTTGTTTTACA-3'

ClinVar aggregate classification (germline): Benign. Review status: criteria provided, multiple submitters, no conflicts (2 of 4 stars). 2 submissions from 2 submitters: Benign (2). Last evaluated 2018-07-31.

Allele frequency attached by ClinVar (database versions not stated): ESP Exome Variant Server 0.01386; gnomAD 0.01833 and 0.02159; TOPMed 0.02109; ExAC 0.03455; 1000 Genomes Project 30x 0.04731; 1000 Genomes Project 0.05072.
gnomAD v4.1: 31,842 of 1,373,382 alleles (2.3%); highest among the groups gnomAD compares: East Asian, 13%; 854 homozygotes.

Submissions (2):

GeneDx
Classification: Benign. Last evaluated: 2018-07-31. Review status: criteria provided, single submitter. Criteria: GeneDx Variant Classification Process June 2021. Collection method: clinical testing. Allele origin: germline. Affected: yes.
Comment: This variant is associated with the following publications: (PMID: 15860464)

Breakthrough Genomics
Classification: Benign. Review status: criteria provided, single submitter. Criteria: ACMG Guidelines, 2015. Collection method: not provided. Allele origin: germline. Inheritance: Autosomal recessive inheritance. Affected: yes.